The following is an entry in ClinVar:

NM_001199107.2(TBC1D24):c.836C>T (p.Thr279Met)

Gene: TBC1D24 (TBC1 domain family member 24; plus strand). Cytogenetic location: 16p13.3.
Variant type: single nucleotide variant.
Coding change: c.836C>T on transcript NM_001199107.2 (MANE Select); coding-DNA position 836, C replaced by T.
Protein change: p.Thr279Met; replaces threonine 279 with methionine.
Molecular consequence: missense variant.
Genome position (GRCh38, 1-based): chr16:2,496,984, C>T. VCF-style: chr16-2496984-C-T. GRCh37 (hg19) VCF-style: chr16-2546985-C-T.
Other names: c.836C>T, p.Thr279Met (NM_020705.3); short protein forms T279M.
Identifiers: ClinVar variation 505283 (VCV000505283.6), dbSNP rs779234824, ClinGen allele CA7844082.

ClinVar aggregate classification (germline): Uncertain significance. Review status: criteria provided, multiple submitters, no conflicts (2 of 4 stars). 2 submissions from 2 submitters: Uncertain significance (2). Last evaluated 2025-07-08.

Conditions:
Developmental and epileptic encephalopathy, 1 (DEE1). Also called: X-linked infantile spasms; West's syndrome; Tonic spasms with clustering, arrest of psychomotor development and hypsarrhythmia on EEG; X-Linked Infantile Spasm Syndrome; OHTAHARA SYNDROME, X-LINKED; Epileptic encephalopathy, early infantile, 1. Identifiers: MedGen C3463992, MONDO:0010632, OMIM 308350. Disease mechanism: loss of function.
Autosomal dominant nonsyndromic hearing loss 65. Also called: Deafness, autosomal dominant 65; TBC1D24-Related Autosomal Dominant Nonsyndromic Hearing Loss (DFNA). Identifiers: Orphanet 90635, MedGen C3892048, MONDO:0014470, OMIM 616044.

Allele frequency attached by ClinVar (database versions not stated): gnomAD exomes below 0.00001 and 0.00002; TOPMed below 0.00001; ExAC 0.00002.
gnomAD v4.1: 6 of 1,613,976 alleles (0.00037%); highest among the groups gnomAD compares: Middle Eastern, 0.016%; no homozygotes.

Submissions (2):

Labcorp Genetics (formerly Invitae), Labcorp
Classification: Uncertain significance for Developmental and epileptic encephalopathy, 1; Autosomal dominant nonsyndromic hearing loss 65. Last evaluated: 2025-07-08. Review status: criteria provided, single submitter. Criteria: Invitae Variant Classification Sherloc (09022015). Collection method: clinical testing. Allele origin: germline.
Comment: This sequence change replaces threonine, which is neutral and polar, with methionine, which is neutral and non-polar, at codon 279 of the TBC1D24 protein (p.Thr279Met). This variant is present in population databases (rs779234824, gnomAD 0.004%). This variant has not been reported in the literature in individuals affected with TBC1D24-related conditions. ClinVar contains an entry for this variant (Variation ID: 505283). Invitae Evidence Modeling of protein sequence and biophysical properties (such as structural, functional, and spatial information, amino acid conservation, physicochemical variation, residue mobility, and thermodynamic stability) indicates that this missense variant is not expected to disrupt TBC1D24 protein function with a negative predictive value of 95%. In summary, the available evidence is currently insufficient to determine the role of this variant in disease. Therefore, it has been classified as a Variant of Uncertain Significance.

Laboratory for Molecular Medicine, Mass General Brigham Personalized Medicine
Classification: Uncertain significance. Last evaluated: 2016-09-01. Review status: criteria provided, single submitter. Criteria: LMM Criteria. Collection method: clinical testing. Allele origin: germline. Observed: 1 variant allele.
Comment: The p.Thr279Met variant in TBC1D24 has not been previously reported in individua ls with hearing loss. This variant has been identified in 3/66516 European chrom osomes by the Exome Aggregation Consortium (ExAC ; dbSNP rs779234824). The threonine (Thr) at position 279 is not conserved throu gh species, with 1 mammal (manatee) having a methionine (Met), raising the possi bility that a change at this position may be tolerated. Additional computational prediction tools do not provide strong support for or against an impact to the protein. In summary, the clinical significance of the p.Thr279Met variant is unc ertain.